The following is an entry in ClinVar:

NM_000043.6(FAS):c.797A>G (p.Asn266Ser)

Gene: FAS (Fas cell surface death receptor; plus strand). Cytogenetic location: 10q23.31.
Variant type: single nucleotide variant.
Coding change: c.797A>G on transcript NM_000043.6 (MANE Select); coding-DNA position 797, A replaced by G.
Protein change: p.Asn266Ser; replaces asparagine 266 with serine.
Molecular consequence: missense variant. On other transcripts: 3 prime UTR variant (2), non-coding transcript variant (7).
Genome position (GRCh38, 1-based): chr10:89,014,239, A>G. VCF-style: chr10-89014239-A-G. GRCh37 (hg19) VCF-style: chr10-90773996-A-G.
Other names: c.*120A>G (NM_001320619.2); c.842A>G, p.Asn281Ser (NM_001410956.1); c.734A>G, p.Asn245Ser (NM_152871.4); c.*109A>G (NM_152872.4); short protein forms N245S, N281S, N266S.
Identifiers: ClinVar variation 3720955 (VCV003720955.2).

ClinVar aggregate classification (germline): Likely pathogenic (1 of 4 stars; one submission).

Conditions:
Autoimmune lymphoproliferative syndrome type 1. Also called: AUTOIMMUNE LYMPHOPROLIFERATIVE SYNDROME, TYPE I, AUTOSOMAL DOMINANT. Identifiers: Orphanet 3261, MedGen C2717884, MONDO:0011158, OMIM 601859.

Submission:

Labcorp Genetics (formerly Invitae), Labcorp
Classification: Likely pathogenic for Autoimmune lymphoproliferative syndrome. Last evaluated: 2025-08-24. Review status: criteria provided, single submitter. Criteria: Invitae Variant Classification Sherloc (09022015). Collection method: clinical testing. Allele origin: germline.
Comment: This sequence change replaces asparagine, which is neutral and polar, with serine, which is neutral and polar, at codon 266 of the FAS protein (p.Asn266Ser). This missense change has been observed in individual(s) with autosomal recessive autoimmune lymphoproliferative syndrome (PMID: 28087326). It has also been observed to segregate with disease in related individuals. ClinVar contains an entry for this variant (Variation ID: 3720955). An algorithm developed to predict the effect of missense changes on protein structure and function outputs the following: PolyPhen-2: "Benign". The serine amino acid residue is found in multiple mammalian species, which suggests that this missense change does not adversely affect protein function. In summary, the currently available evidence indicates that the variant is pathogenic, but additional data are needed to prove that conclusively. Therefore, this variant has been classified as Likely Pathogenic.

Literature cited by the submitters: PubMed 28087326.